The following is an entry in ClinVar:

ClinVar aggregate classification (germline): Uncertain significance (1 of 4 stars; one submission).

gnomAD v4.1: 1 of 1,606,044 alleles (0.000062%); highest among the groups gnomAD compares: Non-Finnish European, 0.000085%; no homozygotes.

Submission:

Labcorp Genetics (formerly Invitae), Labcorp
Classification: Uncertain significance. Last evaluated: 2024-06-26. Review status: criteria provided, single submitter. Criteria: Invitae Variant Classification Sherloc (09022015). Collection method: clinical testing. Allele origin: germline.
Comment: This sequence change replaces proline, which is neutral and non-polar, with serine, which is neutral and polar, at codon 100 of the TRIM8 protein (p.Pro100Ser). This variant is not present in population databases (gnomAD no frequency). This variant has not been reported in the literature in individuals affected with TRIM8-related conditions. An algorithm developed to predict the effect of missense changes on protein structure and function (PolyPhen-2) suggests that this variant is likely to be disruptive. In summary, the available evidence is currently insufficient to determine the role of this variant in disease. Therefore, it has been classified as a Variant of Uncertain Significance.

NM_030912.3(TRIM8):c.298C>T (p.Pro100Ser)

Gene: TRIM8 (tripartite motif containing 8; plus strand). Cytogenetic location: 10q24.32.
Variant type: single nucleotide variant.
Coding change: c.298C>T on transcript NM_030912.3 (MANE Select); coding-DNA position 298, C replaced by T.
Protein change: p.Pro100Ser; replaces proline 100 with serine.
Molecular consequence: missense variant. On other transcripts: non-coding transcript variant (1).
Genome position (GRCh38, 1-based): chr10:102,644,915, C>T. VCF-style: chr10-102644915-C-T. GRCh37 (hg19) VCF-style: chr10-104404672-C-T.
Other names: c.298C>T, p.Pro100Ser (NM_001345950.1); short protein forms P100S.
Identifiers: ClinVar variation 3657959 (VCV003657959.2).